The following is an entry in ClinVar:

NM_177438.3(DICER1):c.3584A>T (p.Asp1195Val)

Gene: DICER1 (dicer 1, ribonuclease III; minus strand). Cytogenetic location: 14q32.13.
Variant type: single nucleotide variant.
Coding change: c.3584A>T on transcript NM_177438.3 (MANE Select); coding-DNA position 3584, A replaced by T.
Protein change: p.Asp1195Val; replaces aspartic acid 1195 with valine.
Molecular consequence: missense variant. On other transcripts: non-coding transcript variant (6).
Genome position (GRCh38, 1-based): chr14:95,103,812, T>A on the plus strand (A>T on the coding strand, the complement: DICER1 is on the minus strand). VCF-style: chr14-95103812-T-A. GRCh37 (hg19) VCF-style: chr14-95570149-T-A.
Other names: c.3584A>T, p.Asp1195Val (NM_001195573.1, NM_001271282.3, NM_001291628.2 and 13 more transcripts); c.3302A>T, p.Asp1101Val (NM_001395686.1); c.3179A>T, p.Asp1060Val (NM_001395687.1, NM_001395688.1, NM_001395689.1 and 2 more transcripts); c.3017A>T, p.Asp1006Val (NM_001395691.1); c.1901A>T, p.Asp634Val (NM_001395697.1); short protein forms D1060V, D1101V, D634V, D1006V, D1195V.
Identifiers: ClinVar variation 2825605 (VCV002825605.3), dbSNP rs2542707248, ClinGen allele CA390874821.

ClinVar aggregate classification (germline): Uncertain significance (1 of 4 stars; one submission).

Conditions:
DICER1-related tumor predisposition. Also called: DICER1-related pleuropulmonary blastoma cancer predisposition syndrome; DICER1 syndrome. Identifiers: Orphanet 284343, MedGen C3839822, MONDO:0100216.

Allele frequency attached by ClinVar (database versions not stated): gnomAD exomes below 0.00001.
gnomAD v4.1: 1 of 1,614,208 alleles (0.000062%); highest among the groups gnomAD compares: Non-Finnish European, 0.000085%; no homozygotes.

Submission:

Labcorp Genetics (formerly Invitae), Labcorp
Classification: Uncertain significance for DICER1-related tumor predisposition. Last evaluated: 2025-10-26. Review status: criteria provided, single submitter. Criteria: Invitae Variant Classification Sherloc (09022015). Collection method: clinical testing. Allele origin: germline.
Comment: This sequence change replaces aspartic acid, which is acidic and polar, with valine, which is neutral and non-polar, at codon 1195 of the DICER1 protein (p.Asp1195Val). This variant is not present in population databases (gnomAD no frequency). This variant has not been reported in the literature in individuals affected with DICER1-related conditions. ClinVar contains an entry for this variant (Variation ID: 2825605). Invitae Evidence Modeling of protein sequence and biophysical properties (such as structural, functional, and spatial information, amino acid conservation, physicochemical variation, residue mobility, and thermodynamic stability) indicates that this missense variant is not expected to disrupt DICER1 protein function with a negative predictive value of 95%. In summary, the available evidence is currently insufficient to determine the role of this variant in disease. Therefore, it has been classified as a Variant of Uncertain Significance.